The following is an entry in ClinVar:

ClinVar aggregate classification (germline): Pathogenic/Likely pathogenic. Review status: criteria provided, multiple submitters, no conflicts (2 of 4 stars). 4 submissions from 4 submitters: Pathogenic (2); Likely pathogenic (2). Last evaluated 2026-03-22.

Conditions:
Autosomal dominant nocturnal frontal lobe epilepsy 3. Also called: CHRNB2-Related Nocturnal Frontal Lobe Epilepsy, Autosomal Dominant. Identifiers: Orphanet 98784, MedGen C1854335, MONDO:0011545, OMIM 605375.
Familial sleep-related hypermotor epilepsy. Also called: Autosomal Dominant Sleep-Related Hypermotor (Hyperkinetic) Epilepsy. Identifiers: Orphanet 98784, MedGen C3696898, MONDO:0000030.

Submissions (4):

GeneDx
Classification: Likely pathogenic. Last evaluated: 2026-03-22. Review status: criteria provided, single submitter. Criteria: GeneDx Variant Classification Process June 2021. Collection method: clinical testing. Allele origin: germline.
Comment: Not observed at significant frequency in large population cohorts (gnomAD); In silico analysis suggests that this missense variant does not alter protein structure/function; Has not been previously published as pathogenic or benign to our knowledge

Women's Health and Genetics/Laboratory Corporation of America, LabCorp
Classification: Pathogenic for Autosomal dominant nocturnal frontal lobe epilepsy 3. Last evaluated: 2023-05-10. Review status: criteria provided, single submitter. Criteria: LabCorp Variant Classification Summary - May 2015. Collection method: clinical testing. Allele origin: germline.
Comment: Variant summary: CHRNB2 c.859G>T (p.Val287Leu) results in a conservative amino acid change located in the Neurotransmitter-gated ion-channel transmembrane domain (IPR006029) of the encoded protein sequence. Three of five in-silico tools predict a benign effect of the variant on protein function. The variant was absent in 251228 control chromosomes (gnomAD). c.859G>T has been reported in the literature in multiple individuals affected with autosomal dominant nocturnal frontal lobe epilepsy (DeFusco_2000, Picard_2008, Labate_2012) and this variant co-segregated with disease (DeFusco_2000, Labate_2012). These data indicate that the variant is very likely to be associated with disease. At least two publication report this variant alters the subunit composition and sensitivity of 42 nAChRs, and increases 542 surface expression (DeFusco_2000, Nichols_2016). The following publications have been ascertained in the context of this evaluation (PMID: 22897520, 19059498, 19237585, 22036597, 27336596). Two ClinVar submitters (evaluation after 2014) cite this variant as pathogenic and likely pathogenic. Based on the evidence outlined above, the variant was classified as pathogenic.

Labcorp Genetics (formerly Invitae), Labcorp
Classification: Pathogenic. Last evaluated: 2022-09-25. Review status: criteria provided, single submitter. Criteria: Invitae Variant Classification Sherloc (09022015). Collection method: clinical testing. Allele origin: germline.
Comment: For these reasons, this variant has been classified as Pathogenic. This variant disrupts the p.Val287 amino acid residue in CHRNB2. Other variant(s) that disrupt this residue have been determined to be pathogenic (PMID: 11104662, 17900292). This suggests that this residue is clinically significant, and that variants that disrupt this residue are likely to be disease-causing. Advanced modeling of protein sequence and biophysical properties (such as structural, functional, and spatial information, amino acid conservation, physicochemical variation, residue mobility, and thermodynamic stability) performed at Invitae indicates that this missense variant is not expected to disrupt CHRNB2 protein function. ClinVar contains an entry for this variant (Variation ID: 41033). This missense change has been observed in individual(s) with autosomal dominant nocturnal frontal lobe epilepsy (PMID: 11062464). It has also been observed to segregate with disease in related individuals. This variant is not present in population databases (gnomAD no frequency). This sequence change replaces valine, which is neutral and non-polar, with leucine, which is neutral and non-polar, at codon 287 of the CHRNB2 protein (p.Val287Leu).

Institute of Human Genetics, University of Leipzig Medical Center
Classification: Likely pathogenic for Autosomal dominant nocturnal frontal lobe epilepsy 3. Last evaluated: 2022-09-16. Review status: criteria provided, single submitter. Criteria: ACMG Guidelines, 2015. Collection method: clinical testing. Allele origin: unknown. Affected: yes.
Comment: _x000D_ Criteria applied: PS1, PM1, PM5, PM2_SUP

Literature cited by the submitters: PubMed 11062464 (cited by Women's Health and Genetics/Laboratory Corporation of America, LabCorp and Labcorp Genetics (formerly Invitae), Labcorp); PubMed 22897520 (cited by Women's Health and Genetics/Laboratory Corporation of America, LabCorp); PubMed 27336596 (cited by Women's Health and Genetics/Laboratory Corporation of America, LabCorp); PubMed 19059498 (cited by Women's Health and Genetics/Laboratory Corporation of America, LabCorp); PubMed 19237585 (cited by Women's Health and Genetics/Laboratory Corporation of America, LabCorp); PubMed 22036597 (cited by Women's Health and Genetics/Laboratory Corporation of America, LabCorp); PubMed 11104662 (cited by Labcorp Genetics (formerly Invitae), Labcorp); PubMed 17900292 (cited by Labcorp Genetics (formerly Invitae), Labcorp).

NM_000748.3(CHRNB2):c.859G>T (p.Val287Leu)

Gene: CHRNB2 (cholinergic receptor nicotinic beta 2 subunit; plus strand). Cytogenetic location: 1q21.3.
Variant type: single nucleotide variant.
Coding change: c.859G>T on transcript NM_000748.3 (MANE Select); coding-DNA position 859, G replaced by T.
Protein change: p.Val287Leu; replaces valine 287 with leucine.
Molecular consequence: missense variant.
Genome position (GRCh38, 1-based): chr1:154,571,682, G>T. VCF-style: chr1-154571682-G-T. GRCh37 (hg19) VCF-style: chr1-154544158-G-T.
Other names: short protein forms V287L.
Identifiers: ClinVar variation 1707538 (VCV001707538.8), dbSNP rs74315291, ClinGen allele CA343929.
Genomic context (GRCh38, chr1:154,571,682, plus strand): 5'-ACGTTGTGCATCTCAGTGCTGCTGGCGCTCACGGTCTTCCTGCTGCTCATCTCCAAGATC[G>T]TGCCTCCCACCTCCCTCGACGTGCCGCTCGTCGGCAAGTACCTCATGTTCACCATGGTGC-3'
Protein context (NP_000739.1, residues 277-297): TVFLLLISKI[Val287Leu]PPTSLDVPLV